The following is an entry in ClinVar:

ClinVar aggregate classification (germline): Pathogenic. Review status: criteria provided, single submitter (1 of 4 stars). 2 submissions from 2 submitters: Pathogenic (1). 1 of the submissions does not count toward it. Last evaluated 2015-12-23.

Submissions (2):

GeneDx
Classification: Pathogenic. Last evaluated: 2015-12-23. Review status: criteria provided, single submitter. Criteria: GeneDx Variant Classification (06012015). Collection method: clinical testing. Allele origin: germline. Affected: yes.
Comment: The c.3701delT variant in the GRIN2A gene has not been reported previously as a pathogenic variant nor as a benign variant, to our knowledge. The c.3701delT variant causes a frameshift starting with codon Phenylalanine 1234, changes this amino acid to a Serine residue, and creates a premature Stop codon at position 51 of the new reading frame, denoted p.Phe1234SerfsX51. This variant is predicted to cause loss of normal protein function through protein truncation, as the last 231 amino acids of the protein are replaced by 50 incorrect amino acids. The c.3701delT variant was not observed in approximately 6500 individuals of European and African American ancestry in the NHLBI Exome Sequencing Project, indicating it is not a common benign variant in these populations. We interpret c.3701delT as a pathogenic variant.

Genetic Services Laboratory, University of Chicago
Classification: Likely pathogenic. Last evaluated: 2022-07-18. Review status: no assertion criteria provided. Collection method: clinical testing. Allele origin: germline. Affected: yes. Not counted in ClinVar's aggregate classification.
Comment: DNA sequence analysis of the GRIN2A gene demonstrated a single base pair deletion in exon 14, c.3701del. This pathogenic sequence change results in an amino acid frameshift and creates a premature stop codon 50 amino acids downstream of the change, p.Phe1234Serfs*51. This pathogenic sequence change is predicted to result in an abnormal transcript, which may be degraded, or may lead to the production of a truncated GRIN2A protein with potentially abnormal function. While this deletion has not previously been described in the literature, other truncating variants in the GRIN2A gene have been described in several individuals with GRIN2A-related disorders (PMID: 30544257). The c.3701del sequence change has not been described in population databases such as ExAC and gnomAD. This sequence change is likely related to this individual's phenotype, however functional studies have not been performed to prove this conclusively.

NM_001134407.3(GRIN2A):c.3701del (p.Phe1234fs)

Gene: GRIN2A (glutamate ionotropic receptor NMDA type subunit 2A; minus strand). Cytogenetic location: 16p13.2.
Variant type: Deletion.
Coding change: c.3701del on transcript NM_001134407.3 (MANE Select); coding-DNA position 3701, one base deleted (T; older notation c.3701delT).
Protein change: p.Phe1234fs; shifts the reading frame from phenylalanine 1234.
Molecular consequence: frameshift variant.
Genome position (GRCh38, 1-based): chr16:9,763,843, A deleted on the plus strand (T on the coding strand, the reverse complement: GRIN2A is on the minus strand); the first of 2 consecutive A bases (chr16:9,763,843-9,763,844); deleting either gives the same sequence. VCF-style (leftmost placement, unchanged base first): chr16-9763842-GA-G. GRCh37 (hg19) VCF-style: chr16-9857699-GA-G.
Other names: c.3701del, p.Phe1234fs (NM_000833.5, NM_001134408.2); c.3701del (NM_000833.4); short protein forms F1234fs.
Identifiers: ClinVar variation 279995 (VCV000279995.4), dbSNP rs886041308, ClinGen allele CA10603570.